The following is an entry in ClinVar:

NM_001854.4(COL11A1):c.4938G>C (p.Glu1646Asp)

Gene: COL11A1 (collagen type XI alpha 1 chain; minus strand). Cytogenetic location: 1p21.1.
Variant type: single nucleotide variant.
Coding change: c.4938G>C on transcript NM_001854.4 (MANE Select); coding-DNA position 4938, G replaced by C.
Protein change: p.Glu1646Asp; replaces glutamic acid 1646 with aspartic acid.
Molecular consequence: missense variant. On other transcripts: non-coding transcript variant (1).
Genome position (GRCh38, 1-based): chr1:102,883,232, C>G on the plus strand (G>C on the coding strand, the complement: COL11A1 is on the minus strand). VCF-style: chr1-102883232-C-G. GRCh37 (hg19) VCF-style: chr1-103348788-C-G.
Other names: c.4821G>C, p.Glu1607Asp (NM_001190709.2); c.4974G>C, p.Glu1658Asp (NM_080629.3); c.4590G>C, p.Glu1530Asp (NM_080630.4); short protein forms E1530D, E1607D, E1646D, E1658D.
Identifiers: ClinVar variation 3359819 (VCV003359819.2).

ClinVar aggregate classification (germline): Uncertain significance. Review status: criteria provided, multiple submitters, no conflicts (2 of 4 stars). 2 submissions from 2 submitters: Uncertain significance (2). Last evaluated 2024-07-27.

Conditions:
Inborn genetic diseases. Identifiers: MedGen C0950123, MeSH D030342.

gnomAD v4.1: 6 of 1,613,416 alleles (0.00037%); highest among the groups gnomAD compares: Admixed American, 0.01%; no homozygotes.

Submissions (2):

Ambry Genetics
Classification: Uncertain significance for Inborn genetic diseases. Last evaluated: 2024-07-27. Review status: criteria provided, single submitter. Criteria: Ambry Variant Classification Scheme 2023. Collection method: clinical testing. Allele origin: germline.

GeneDx
Classification: Uncertain significance. Last evaluated: 2024-01-29. Review status: criteria provided, single submitter. Criteria: GeneDx Variant Classification Process June 2021. Collection method: clinical testing. Allele origin: germline. Affected: yes.
Comment: Has not been previously published as pathogenic or benign to our knowledge; Not observed at significant frequency in large population cohorts (gnomAD); In silico analysis supports that this missense variant has a deleterious effect on protein structure/function; Not located in the triple helical region, where the majority of pathogenic missense variants occur (HGMD; PMID: 25240749); This variant is associated with the following publications: (PMID: 25240749)